The following is an entry in ClinVar:

NM_001625.4(AK2):c.580A>G (p.Thr194Ala)

Gene: AK2 (adenylate kinase 2; minus strand). Cytogenetic location: 1p35.1.
Variant type: single nucleotide variant.
Coding change: c.580A>G on transcript NM_001625.4 (MANE Select); coding-DNA position 580, A replaced by G.
Protein change: p.Thr194Ala; replaces threonine 194 with alanine.
Molecular consequence: missense variant. On other transcripts: 3 prime UTR variant (1), non-coding transcript variant (1).
Genome position (GRCh38, 1-based): chr1:33,013,321, T>C on the plus strand (A>G on the coding strand, the complement: AK2 is on the minus strand). VCF-style: chr1-33013321-T-C. GRCh37 (hg19) VCF-style: chr1-33478922-T-C.
Other names: c.556A>G, p.Thr186Ala (NM_001199199.3); c.436A>G, p.Thr146Ala (NM_001319139.3, NM_001319140.2); c.580A>G, p.Thr194Ala (NM_001319141.3, NM_013411.5); c.454A>G, p.Thr152Ala (NM_001319142.3); c.*83A>G (NM_001319143.2); short protein forms T146A, T152A, T186A, T194A.
Identifiers: ClinVar variation 1393470 (VCV001393470.8), dbSNP rs2124279813, ClinGen allele CA339699385.

ClinVar aggregate classification (germline): Uncertain significance (1 of 4 stars; one submission).

Conditions:
Reticular dysgenesis. Also called: ALEUKOCYTOSIS; CONGENITAL ALEUKIA; HEMATOPOIETIC HYPOPLASIA, GENERALIZED; RETICULAR DYSGENESIA; SEVERE COMBINED IMMUNODEFICIENCY WITH LEUKOPENIA; DeVaal disease. Identifiers: Orphanet 33355, MedGen C0272167, MONDO:0009973, OMIM 267500.

Submission:

Labcorp Genetics (formerly Invitae), Labcorp
Classification: Uncertain significance for Reticular dysgenesis. Last evaluated: 2022-07-19. Review status: criteria provided, single submitter. Criteria: Invitae Variant Classification Sherloc (09022015). Collection method: clinical testing. Allele origin: germline.
Comment: In summary, the available evidence is currently insufficient to determine the role of this variant in disease. Therefore, it has been classified as a Variant of Uncertain Significance. Algorithms developed to predict the effect of missense changes on protein structure and function are either unavailable or do not agree on the potential impact of this missense change (SIFT: "Deleterious"; PolyPhen-2: "Probably Damaging"; Align-GVGD: "Class C0"). ClinVar contains an entry for this variant (Variation ID: 1393470). This variant has not been reported in the literature in individuals affected with AK2-related conditions. This variant is not present in population databases (gnomAD no frequency). This sequence change replaces threonine, which is neutral and polar, with alanine, which is neutral and non-polar, at codon 194 of the AK2 protein (p.Thr194Ala).